The following is an entry in ClinVar:

ClinVar aggregate classification (germline): Uncertain significance (1 of 4 stars; one submission).

Submission:

Labcorp Genetics (formerly Invitae), Labcorp
Classification: Uncertain significance. Last evaluated: 2024-07-05. Review status: criteria provided, single submitter. Criteria: Invitae Variant Classification Sherloc (09022015). Collection method: clinical testing. Allele origin: germline.
Comment: This sequence change replaces arginine, which is basic and polar, with glutamine, which is neutral and polar, at codon 246 of the CACNA1D protein (p.Arg246Gln). This variant is not present in population databases (gnomAD no frequency). This variant has not been reported in the literature in individuals affected with CACNA1D-related conditions. Advanced modeling of protein sequence and biophysical properties (such as structural, functional, and spatial information, amino acid conservation, physicochemical variation, residue mobility, and thermodynamic stability) performed at Invitae indicates that this missense variant is expected to disrupt CACNA1D protein function with a positive predictive value of 80%. In summary, the available evidence is currently insufficient to determine the role of this variant in disease. Therefore, it has been classified as a Variant of Uncertain Significance.

NM_001128840.3(CACNA1D):c.737G>A (p.Arg246Gln)

Gene: CACNA1D (calcium voltage-gated channel subunit alpha1 D; plus strand). Cytogenetic location: 3p21.1.
Variant type: single nucleotide variant.
Coding change: c.737G>A on transcript NM_001128840.3 (MANE Select); coding-DNA position 737, G replaced by A.
Protein change: p.Arg246Gln; replaces arginine 246 with glutamine.
Molecular consequence: missense variant.
Genome position (GRCh38, 1-based): chr3:53,660,246, G>A. VCF-style: chr3-53660246-G-A. GRCh37 (hg19) VCF-style: chr3-53694273-G-A.
Other names: c.737G>A, p.Arg246Gln (NM_000720.4, NM_001128839.3); short protein forms R246Q.
Identifiers: ClinVar variation 3622638 (VCV003622638.2).
Genomic context (GRCh38, chr3:53,660,246, plus strand): 5'-ACTCAAGCGGCAAATCTGGAGGCTTTGATGTCAAAGCCCTCCGTGCCTTTCGAGTGTTGC[G>A]ACCACTTCGACTAGTGTCAGGAGTGCCCAGTAAGCACTTATTGTTTCCTAGAGTCAGGAG-3'
Protein context (NP_001122312.1, residues 236-256): VKALRAFRVL[Arg246Gln]PLRLVSGVPS